The following is an entry in ClinVar:

ClinVar aggregate classification (germline): Uncertain significance (1 of 4 stars; one submission).

Conditions:
Hereditary cancer-predisposing syndrome. Also called: Hereditary neoplastic syndrome; Neoplastic Syndromes, Hereditary; Tumor predisposition; Hereditary Cancer Syndrome. Identifiers: Orphanet 140162, MedGen C0027672, MeSH D009386, MONDO:0015356.

Submission:

Ambry Genetics
Classification: Uncertain significance for Hereditary cancer-predisposing syndrome. Last evaluated: 2025-08-23. Review status: criteria provided, single submitter. Criteria: Ambry Variant Classification Scheme 2023. Collection method: clinical testing. Allele origin: germline.
Comment: The p.G56R variant (also known as c.166G>C), located in coding exon 1 of the PHOX2B gene, results from a G to C substitution at nucleotide position 166. The glycine at codon 56 is replaced by arginine, an amino acid with dissimilar properties. This amino acid position is conserved. In addition, the in silico prediction for this alteration is inconclusive. Based on the available evidence, the clinical significance of this variant remains unclear.

NM_003924.4(PHOX2B):c.166G>C (p.Gly56Arg)

Genes: PHOX2B (paired like homeobox 2B; minus strand), PHOX2B-AS1 (PHOX2B antisense RNA 1; plus strand). Cytogenetic location: 4p13.
Variant type: single nucleotide variant.
Coding change: c.166G>C on transcript NM_003924.4 (MANE Select); coding-DNA position 166, G replaced by C.
Protein change: p.Gly56Arg; replaces glycine 56 with arginine.
Molecular consequence: missense variant. On other transcripts: non-coding transcript variant (1).
Genome position (GRCh38, 1-based): chr4:41,748,445, C>G on the plus strand (G>C on the coding strand, the complement: PHOX2B is on the minus strand). VCF-style: chr4-41748445-C-G. GRCh37 (hg19) VCF-style: chr4-41750462-C-G.
Other names: short protein forms G56R.
Identifiers: ClinVar variation 4136094 (VCV004136094.1).
Genomic context (GRCh38, chr4:41,748,445, plus strand): 5'-TGCTCTGGTGGTCCCTGAGGGTGCCCAGGCTGCAGGATCCCGGCGTGAGGGAAGGGCAGC[C>G]GGACGTGGCCCCAAAAGTGGTCCTTATCGGGTTATACTGGAAGCCACTGGCCTGGCTGCA-3'
Protein context (NP_003915.2, residues 46-66): PIRTTFGATS[Gly56Arg]CPSLTPGSCS